The following is an entry in ClinVar:

ClinVar aggregate classification (germline): Conflicting classifications of pathogenicity. Review status: criteria provided, conflicting classifications (1 of 4 stars). 2 submissions from 2 submitters: Uncertain significance (1); Likely benign (1). Last evaluated 2025-09-01.

Conditions:
Inborn genetic diseases. Identifiers: MedGen C0950123, MeSH D030342.

Allele frequency attached by ClinVar (database versions not stated): TOPMed 0.00002; ExAC 0.00003; gnomAD 0.00003.
gnomAD v4.1: 38 of 1,613,704 alleles (0.0024%); highest among the groups gnomAD compares: African/African-American, 0.0053%; no homozygotes.

Submissions (2):

Ambry Genetics
Classification: Uncertain significance for Inborn genetic diseases. Last evaluated: 2025-09-01. Review status: criteria provided, single submitter. Criteria: Ambry Variant Classification Scheme 2023. Collection method: clinical testing. Allele origin: germline.

CeGaT Center for Human Genetics Tuebingen
Classification: Likely benign. Last evaluated: 2024-02-01. Review status: criteria provided, single submitter. Criteria: CeGaT Center For Human Genetics Tuebingen Variant Classification Criteria Version 2. Collection method: clinical testing. Allele origin: germline. Affected: yes. Observed: 1 variant allele.
Comment: GRIA4: BS2

NM_000829.4(GRIA4):c.2449G>A (p.Val817Ile)

Gene: GRIA4 (glutamate ionotropic receptor AMPA type subunit 4; plus strand). Cytogenetic location: 11q22.3.
Variant type: single nucleotide variant.
Coding change: c.2449G>A on transcript NM_000829.4 (MANE Select); coding-DNA position 2449, G replaced by A.
Protein change: p.Val817Ile; replaces valine 817 with isoleucine.
Molecular consequence: missense variant. On other transcripts: non-coding transcript variant (1).
Genome position (GRCh38, 1-based): chr11:105,974,349, G>A. VCF-style: chr11-105974349-G-A. GRCh37 (hg19) VCF-style: chr11-105845076-G-A.
Other names: c.2449G>A (NM_000829.3); c.2449G>A, p.Val817Ile (NM_001077243.3); short protein forms V817I.
Identifiers: ClinVar variation 3026141 (VCV003026141.23), dbSNP rs752387055, ClinGen allele CA6258841.